The following is an entry in ClinVar:

ClinVar aggregate classification (germline): Pathogenic. Review status: criteria provided, multiple submitters, no conflicts (2 of 4 stars). 2 submissions from 2 submitters: Pathogenic (2). Last evaluated 2024-09-27.

Conditions:
Hereditary spastic paraplegia 47. Also called: Spastic paraplegia 47, autosomal recessive; CEREBRAL PALSY, SPASTIC QUADRIPLEGIC, 5; adaptor protein 4 (AP-4) deficiency syndrome. Identifiers: Orphanet 280763, MedGen C3279738, MONDO:0013551, OMIM 614066.

Submissions (2):

GeneDx
Classification: Pathogenic. Last evaluated: 2024-09-27. Review status: criteria provided, single submitter. Criteria: GeneDx Variant Classification Process June 2021. Collection method: clinical testing. Allele origin: germline. Affected: yes.
Comment: Frameshift variant predicted to result in protein truncation or nonsense mediated decay in a gene for which loss of function is a known mechanism of disease; Not observed at significant frequency in large population cohorts (gnomAD); This variant is associated with the following publications: (PMID: 32171285)

Labcorp Genetics (formerly Invitae), Labcorp
Classification: Pathogenic for Hereditary spastic paraplegia 47. Last evaluated: 2023-01-19. Review status: criteria provided, single submitter. Criteria: Invitae Variant Classification Sherloc (09022015). Collection method: clinical testing. Allele origin: germline.
Comment: For these reasons, this variant has been classified as Pathogenic. This variant has not been reported in the literature in individuals affected with AP4B1-related conditions. This variant is not present in population databases (gnomAD no frequency). This sequence change creates a premature translational stop signal (p.Cys18Glnfs*7) in the AP4B1 gene. It is expected to result in an absent or disrupted protein product. Loss-of-function variants in AP4B1 are known to be pathogenic (PMID: 22290197, 24700674, 24781758).

Literature cited by the submitters: PubMed 22290197 (cited by Labcorp Genetics (formerly Invitae), Labcorp); PubMed 24700674 (cited by Labcorp Genetics (formerly Invitae), Labcorp); PubMed 24781758 (cited by Labcorp Genetics (formerly Invitae), Labcorp).

NM_001253852.3(AP4B1):c.52_53del (p.Cys18fs)

Genes: AP4B1 (adaptor related protein complex 4 subunit beta 1; minus strand), DCLRE1B (DNA cross-link repair 1B; plus strand), LOC129931235 (ATAC-STARR-seq lymphoblastoid active region 1540; plus strand). Cytogenetic location: 1p13.2.
Variant type: Microsatellite.
Coding change: c.52_53del on transcript NM_001253852.3 (MANE Select); coding-DNA positions 52 to 53, 2 bases deleted (TG; older notation c.52_53delTG).
Protein change: p.Cys18fs; shifts the reading frame from cysteine 18.
Molecular consequence: frameshift variant. On other transcripts: 5 prime UTR variant (2).
Genome position (GRCh38, 1-based): chr1:113,904,665-113,904,666, CA deleted on the plus strand (TG on the coding strand, the reverse complement: AP4B1 is on the minus strand); deleting any 2 consecutive bases within chr1:113,904,665-113,904,668 gives the same sequence; the c. name uses the placement nearest the transcript's 3' end. VCF-style (leftmost placement, unchanged base first): chr1-113904664-GCA-G. GRCh37 (hg19) VCF-style: chr1-114447286-GCA-G.
Other names: c.-120TG[1] (NM_001253853.3); c.52_53del, p.Cys18fs (NM_001308312.2, NM_001437822.1, NM_001438373.1 and 7 more transcripts); c.-374CA[1] (NM_001319947.2); short protein forms C18fs.
Identifiers: ClinVar variation 2971411 (VCV002971411.4), dbSNP rs2526690923, ClinGen allele CA2586967175.